The following is an entry in ClinVar:

NC_000022.11:g.40345830G>C

Gene: ADSL (adenylosuccinate lyase; plus strand). Cytogenetic location: 22q13.1.
Variant type: single nucleotide variant.
Genome position: GRCh38 VCF-style: chr22-40345830-G-C. GRCh37 (hg19) VCF-style: chr22-40741834-G-C.
Identifiers: ClinVar variation 1387171 (VCV001387171.3), dbSNP rs927256177, ClinGen allele CA2573158336.

ClinVar aggregate classification (germline): Uncertain significance (1 of 4 stars; one submission).

Conditions:
Adenylosuccinate lyase deficiency (ADSLD). Also called: ADSL DEFICIENCY. Identifiers: Orphanet 46, MedGen C0268126, MONDO:0007068, OMIM 103050.

Submission:

Labcorp Genetics (formerly Invitae), Labcorp
Classification: Uncertain significance for Adenylosuccinate lyase deficiency. Last evaluated: 2022-08-23. Review status: criteria provided, single submitter. Criteria: Invitae Variant Classification Sherloc (09022015). Collection method: clinical testing. Allele origin: germline.
Comment: This variant occurs in a non-coding region of the ADSL gene. It does not change the encoded amino acid sequence of the ADSL protein. This variant is not present in population databases (gnomAD no frequency). This variant has not been reported in the literature in individuals affected with ADSL-related conditions. Experimental studies and prediction algorithms are not available or were not evaluated, and the functional significance of this variant is currently unknown. In summary, the available evidence is currently insufficient to determine the role of this variant in disease. Therefore, it has been classified as a Variant of Uncertain Significance.